The following is an entry in ClinVar:

NM_004771.4(MMP20):c.690T>G (p.His230Gln)

Gene: MMP20 (matrix metallopeptidase 20; minus strand). Cytogenetic location: 11q22.2.
Variant type: single nucleotide variant.
Coding change: c.690T>G on transcript NM_004771.4 (MANE Select); coding-DNA position 690, T replaced by G.
Protein change: p.His230Gln; replaces histidine 230 with glutamine.
Molecular consequence: missense variant.
Genome position (GRCh38, 1-based): chr11:102,609,058, A>C on the plus strand (T>G on the coding strand, the complement: MMP20 is on the minus strand). VCF-style: chr11-102609058-A-C. GRCh37 (hg19) VCF-style: chr11-102479789-A-C.
Other names: short protein forms H230Q.
Identifiers: ClinVar variation 2444100 (VCV002444100.1), dbSNP rs781377746, ClinGen allele CA6248367.

ClinVar aggregate classification (germline): Uncertain significance (1 of 4 stars; one submission).

Conditions:
Amelogenesis imperfecta hypomaturation type 2A2. Also called: Amelogenesis imperfecta, hypomaturation type, IIA2; Amelogenesis imperfecta, type IIA2; AMELOGENESIS IMPERFECTA, PIGMENTED HYPOMATURATION TYPE, 2. Identifiers: Orphanet 88661, MedGen C2675858, MONDO:0012926, OMIM 612529. Disease mechanism: loss of function.

Allele frequency attached by ClinVar (database versions not stated): ExAC 0.00001; gnomAD 0.00001; TOPMed 0.00001.

Submission:

3billion
Classification: Uncertain significance for Amelogenesis imperfecta hypomaturation type 2A2. Last evaluated: 2023-02-23. Review status: criteria provided, single submitter. Criteria: ACMG Guidelines, 2015. Collection method: clinical testing. Allele origin: unknown. Affected: yes.
Comment: The variant is observed at an extremely low frequency in the gnomAD v2.1.1 dataset (total allele frequency: <0.001%). Missense changes are a common disease-causing mechanism. In silico tool predictions suggest damaging effect of the variant on gene or gene product (REVEL: 0.91; 3Cnet: 0.97). Therefore, this variant is classified as VUS according to the recommendation of ACMG/AMP guideline.